The following is an entry in ClinVar:

ClinVar aggregate classification (germline): Uncertain significance (1 of 4 stars; one submission).

gnomAD v4.1: 65 of 1,613,374 alleles (0.004%); highest among the groups gnomAD compares: Non-Finnish European, 0.0052%; no homozygotes.

Submission:

GeneDx
Classification: Uncertain significance. Last evaluated: 2026-04-03. Review status: criteria provided, single submitter. Criteria: GeneDx Variant Classification Process June 2021. Collection method: clinical testing. Allele origin: germline.
Comment: Not observed at significant frequency in large population cohorts (gnomAD); In silico analysis suggests that this missense variant does not alter protein structure/function; Has not been previously published as pathogenic or benign to our knowledge

NM_001171613.2(PREPL):c.-49+1835G>T

Gene: PREPL (prolyl endopeptidase like; minus strand). Cytogenetic location: 2p21.
Variant type: single nucleotide variant.
Coding change: c.-49+1835G>T on transcript NM_001171613.2 (MANE Select); 1835 bases into the intron after 49 bases upstream of the start codon, G replaced by T.
Molecular consequence: intron variant. On other transcripts: missense variant (7).
Genome position (GRCh38, 1-based): chr2:44,359,545, C>A on the plus strand (G>T on the coding strand, the complement: PREPL is on the minus strand). VCF-style: chr2-44359545-C-A. GRCh37 (hg19) VCF-style: chr2-44586684-C-A.
Other names: c.171G>T, p.Lys57Asn (NM_001042385.2, NM_001042386.2, NM_001171603.1 and 4 more transcripts); c.-49+1979G>T (NM_001171617.1); c.-49+1872G>T (NM_001374277.1); short protein forms K57N.
Identifiers: ClinVar variation 5018148 (VCV005018148.1).